The following is an entry in ClinVar:

ClinVar aggregate classification (germline): Pathogenic (1 of 4 stars; one submission).

Conditions:
Familial adenomatous polyposis 1 (FAP1). Also called: POLYPOSIS, ADENOMATOUS INTESTINAL; FAMILIAL ADENOMATOUS POLYPOSIS 1, ATTENUATED. Identifiers: MedGen C2713442, MONDO:0021056, OMIM 175100. Disease mechanism: loss of function.

gnomAD v4.1: 1 of 1,614,158 alleles (0.000062%); highest among the groups gnomAD compares: Non-Finnish European, 0.000085%; no homozygotes.

Submission:

Myriad Genetics, Inc.
Classification: Pathogenic for Familial adenomatous polyposis 1. Last evaluated: 2023-05-11. Review status: criteria provided, single submitter. Criteria: Myriad Autosomal Dominant, Autosomal Recessive and X-Linked Classification Criteria (2023). Collection method: clinical testing. Allele origin: unknown.
Comment: This variant is considered pathogenic. This variant creates a termination codon and is predicted to result in premature protein truncation.

NM_000038.6(APC):c.4552A>T (p.Lys1518Ter)

Gene: APC (APC regulator of Wnt signaling pathway; plus strand). Cytogenetic location: 5q22.2.
Variant type: single nucleotide variant.
Coding change: c.4552A>T on transcript NM_000038.6 (MANE Select); coding-DNA position 4552, A replaced by T.
Protein change: p.Lys1518Ter; replaces lysine 1518 with a stop codon.
Molecular consequence: nonsense. On other transcripts: non-coding transcript variant (2).
Genome position (GRCh38, 1-based): chr5:112,840,146, A>T. VCF-style: chr5-112840146-A-T. GRCh37 (hg19) VCF-style: chr5-112175843-A-T.
Other names: c.4552A>T, p.Lys1518Ter (NM_001127510.3, NM_001354895.2, NM_001407450.1); c.4498A>T, p.Lys1500Ter (NM_001127511.3); c.4606A>T, p.Lys1536Ter (NM_001354896.2, NM_001407447.1, NM_001407448.1 and 1 more transcripts); c.4582A>T, p.Lys1528Ter (NM_001354897.2); c.4477A>T, p.Lys1493Ter (NM_001354898.2); c.4468A>T, p.Lys1490Ter (NM_001354899.2); c.4429A>T, p.Lys1477Ter (NM_001354900.2); c.4375A>T, p.Lys1459Ter (NM_001354901.2, NM_001407453.1); and 11 more; short protein forms K1134*, K1235*, K1358*, K1389*, K1392*, K1417*, K1427*, K1435*.
Identifiers: ClinVar variation 2583736 (VCV002583736.2), dbSNP rs1554085958, ClinGen allele CA16031295.
Genomic context (GRCh38, chr5:112,840,146, plus strand): 5'-GATGGATTTTCTTGTTCATCCAGCCTGAGTGCTCTGAGCCTCGATGAGCCATTTATACAG[A>T]AAGATGTGGAATTAAGAATAATGCCTCCAGTTCAGGAAAATGACAATGGGAATGAAACAG-3'